The following is an entry in ClinVar:

NM_014000.3(VCL):c.2696T>C (p.Met899Thr)

Gene: VCL (vinculin; plus strand). Cytogenetic location: 10q22.2.
Variant type: single nucleotide variant.
Coding change: c.2696T>C on transcript NM_014000.3 (MANE Select); coding-DNA position 2696, T replaced by C.
Protein change: p.Met899Thr; replaces methionine 899 with threonine.
Molecular consequence: missense variant.
Genome position (GRCh38, 1-based): chr10:74,109,107, T>C. VCF-style: chr10-74109107-T-C. GRCh37 (hg19) VCF-style: chr10-75868865-T-C.
Other names: c.2696T>C, p.Met899Thr (NM_003373.4); short protein forms M899T.
Identifiers: ClinVar variation 3721686 (VCV003721686.2).
Genomic context (GRCh38, chr10:74,109,107, plus strand): 5'-AGGAAAAGGATGAAGAGTTCCCTGAGCAGAAGGCCGGGGAGGTGATTAACCAGCCAATGA[T>C]GATGGCTGCCAGACAGCTCCATGATGAAGCTCGCAAATGGTCCAGCAAGGTAAGTAGTGA-3'
Protein context (NP_054706.1, residues 889-909): KAGEVINQPM[Met899Thr]MAARQLHDEA

ClinVar aggregate classification (germline): Uncertain significance (1 of 4 stars; one submission).

Conditions:
Dilated cardiomyopathy 1W (CMD1W). Identifiers: Orphanet 154, MedGen C1969639, MONDO:0012667, OMIM 611407.

Submission:

Labcorp Genetics (formerly Invitae), Labcorp
Classification: Uncertain significance for Dilated cardiomyopathy 1W. Last evaluated: 2024-09-27. Review status: criteria provided, single submitter. Criteria: Invitae Variant Classification Sherloc (09022015). Collection method: clinical testing. Allele origin: germline.
Comment: This sequence change replaces methionine, which is neutral and non-polar, with threonine, which is neutral and polar, at codon 899 of the VCL protein (p.Met899Thr). This variant is not present in population databases (gnomAD no frequency). This variant has not been reported in the literature in individuals affected with VCL-related conditions. An algorithm developed to predict the effect of missense changes on protein structure and function (PolyPhen-2) suggests that this variant is likely to be disruptive. In summary, the available evidence is currently insufficient to determine the role of this variant in disease. Therefore, it has been classified as a Variant of Uncertain Significance.